The following is an entry in ClinVar:

NM_001042492.3(NF1):c.1756_1759del (p.Thr586fs)

Gene: NF1 (neurofibromin 1; plus strand). Cytogenetic location: 17q11.2.
Variant type: Deletion.
Coding change: c.1756_1759del on transcript NM_001042492.3 (MANE Select); coding-DNA positions 1756 to 1759, 4 bases deleted (ACTA; older notation c.1756_1759delACTA).
Protein change: p.Thr586fs; shifts the reading frame from threonine 586.
Molecular consequence: frameshift variant.
Genome position (GRCh38, 1-based): chr17:31,223,478-31,223,481, ACTA deleted; deleting any 4 consecutive bases within chr17:31,223,476-31,223,481 gives the same sequence; the c. name uses the placement nearest the transcript's 3' end. VCF-style (leftmost placement, unchanged base first): chr17-31223475-TTAAC-T. GRCh37 (hg19) VCF-style: chr17-29550493-TTAAC-T.
Other names: p.Thr586Valfs*18; c.1754_1757delTAAC (NM_000267.3); c.1756_1759delACTA, p.Thr586Valfs (NM_000267.4); c.1756_1759delACTA (NM_000267.3).
Identifiers: ClinVar variation 186215 (VCV000186215.86), dbSNP rs786202782, ClinGen allele CA194177.

ClinVar aggregate classification (germline): Pathogenic. Review status: criteria provided, multiple submitters, no conflicts (2 of 4 stars). 33 submissions from 31 submitters: Pathogenic (30). 3 of the submissions do not count toward it. Last evaluated 2026-08-05.
ClinVar aggregate classification (oncogenicity): Likely oncogenic (1 of 4 stars; one submission).

Conditions:
Neurofibroma. Identifiers: Orphanet 252183, MedGen C0027830, MeSH D009455, MONDO:0016755, HP:0001067.
NF1-related disorder. Also called: NF1-related condition. Identifiers: MedGen CN379171.
Cardiovascular phenotype. Identifiers: MedGen CN230736.
Hereditary cancer-predisposing syndrome. Also called: Hereditary Cancer Syndrome; Neoplastic Syndromes, Hereditary; Tumor predisposition; Hereditary neoplastic syndrome. Identifiers: Orphanet 140162, MedGen C0027672, MeSH D009386, MONDO:0015356.
Neurofibromatosis, type 1 (NF1). Also called: NEUROFIBROMATOSIS, TYPE I, SOMATIC; VON RECKLINGHAUSEN DISEASE; Peripheral type neurofibromatosis; Neurofibromatosis, type I. Identifiers: Orphanet 636, MedGen C0027831, MONDO:0018975, OMIM 162200. Disease mechanism: loss of function.
Café-au-lait macules with pulmonary stenosis (WTSN). Also called: PULMONIC STENOSIS WITH CAFE-AU-LAIT SPOTS. Identifiers: MedGen C0553586, MONDO:0008672, OMIM 193520.
Juvenile myelomonocytic leukemia (JMML). Also called: LEUKEMIA, JUVENILE MYELOMONOCYTIC, SOMATIC. Identifiers: Orphanet 86834, MedGen C0349639, MONDO:0011908, OMIM 607785, HP:0012209.
Neoplasm. Also called: Neoplasms; Neoplasm (disease); tumor. Identifiers: MedGen C0027651, MeSH D009369, MONDO:0005070, HP:0002664.

Submissions 1 to 12 of 34:

Kasturba Medical College, Manipal, Kasturba Medical College, Manipal, Manipal Academy of Higher Education, Manipal, India
Classification: Pathogenic for Neurofibromatosis, type 1. Last evaluated: 2026-08-05. Review status: criteria provided, single submitter. Criteria: ACMG Guidelines, 2015. Collection method: research. Allele origin: de novo. Inheritance: Autosomal dominant inheritance. Affected: yes. Observed: 1 variant allele, 1 heterozygote.
Comment: This variant is present in 2 individuals (allele frequency: 0.000001240) in heterozygous state in the gnomAD (v4.1.0) population database. This variant is absent in our in-house data of 4376 exomes.

CeGaT Center for Human Genetics Tuebingen
Classification: Pathogenic. Last evaluated: 2026-06-01. Review status: criteria provided, single submitter. Criteria: CeGaT Center For Human Genetics Tuebingen Variant Classification Criteria Version 2. Collection method: clinical testing. Allele origin: germline. Affected: yes. Observed: 2 variant alleles.
Comment: NF1: PVS1, PS2, PS4:Moderate, PM2:Supporting

Myriad Genetics, Inc.
Classification: Pathogenic for Neurofibromatosis, type 1. Last evaluated: 2026-04-17. Review status: criteria provided, single submitter. Criteria: Myriad Autosomal Dominant, Autosomal Recessive and X-Linked Classification Criteria (2023). Collection method: clinical testing. Allele origin: unknown.
Comment: This variant is considered pathogenic. This variant creates a frameshift predicted to result in premature protein truncation.

Dasa
Classification: Pathogenic. Last evaluated: 2026-01-15. Review status: criteria provided, single submitter. Criteria: DASA Assertion Criteria. Collection method: clinical testing. Allele origin: germline.
Comment: NM_001042492.3(NF1):c.1756_1759del (p.Thr586ValfsTer18) is a frameshift variant in NF1 predicted to alter the reading frame and introduce a premature termination codon and is predicted to result in an absent or altered protein product. Loss of function is an established disease mechanism for NF1 (PMID: 1757093; PMID: 1302608; PMID: 34427956). This variant has been reported in individuals with NF1-related disorders. Also, this variant is rare in population databases. Based on the currently available evidence, this variant is classified as pathogenic.

Labcorp Genetics (formerly Invitae), Labcorp
Classification: Pathogenic for Neurofibromatosis, type 1. Last evaluated: 2026-01-02. Review status: criteria provided, single submitter. Criteria: Invitae Variant Classification Sherloc (09022015). Collection method: clinical testing. Allele origin: germline.
Comment: This sequence change creates a premature translational stop signal (p.Thr586Valfs*18) in the NF1 gene. It is expected to result in an absent or disrupted protein product. Loss-of-function variants in NF1 are known to be pathogenic (PMID: 10712197, 23913538). This variant is present in population databases (rs786202782, gnomAD 0.0009%). This premature translational stop signal has been observed in individual(s) with neurofibromatosis type 1 (PMID: 9783703, 16835897, 17311297, 18546366, 25788518). Invitae Evidence Modeling of clinical and family history, age, sex, and reported ancestry of multiple individuals with this NF1 variant has been performed. This variant is expected to be pathogenic with a positive predictive value of at least 99%. This is a validated machine learning model that incorporates the clinical features of 1,785,918 individuals referred to our laboratory for NF1 testing. ClinVar contains an entry for this variant (Variation ID: 186215). For these reasons, this variant has been classified as Pathogenic.

3billion
Classification: Pathogenic for Neurofibromatosis, type 1. Last evaluated: 2025-12-29. Review status: criteria provided, single submitter. Criteria: ACMG Guidelines, 2015. Collection method: clinical testing. Allele origin: germline. Affected: yes.
Comment: The variant is observed at an extremely low frequency in the gnomAD v4.1.0 dataset (total allele frequency: <0.001%). Predicted Consequence/Location: Frameshift: predicted to result in a loss or disruption of normal protein function through nonsense-mediated decay (NMD) or protein truncation. Multiple pathogenic variants are reported downstream of the variant. The variant has been reported at least twice as pathogenic with clinical assertions and evidence for the classification (ClinVar ID: VCV000186215 /PMID: 9783703 /3billion dataset). Therefore, this variant is classified as Pathogenic according to the recommendation of ACMG/AMP guideline.

Center for Genomic Medicine, Rigshospitalet, Copenhagen University Hospital
Classification: Likely oncogenic for Neoplasm. Last evaluated: 2025-12-29. Review status: criteria provided, single submitter. Criteria: ClinGen/CGC/VICC Guidelines for Oncogenicity, 2022. Collection method: clinical testing. Allele origin: somatic. Affected: yes.

PreventionGenetics, part of Exact Sciences
Classification: Pathogenic for NF1-related condition. Last evaluated: 2025-08-29. Review status: criteria provided, single submitter. Criteria: ACMG Guidelines, 2015. Collection method: clinical testing. Allele origin: germline.
Comment: The NF1 c.1756_1759delACTA variant is predicted to result in a frameshift and premature protein termination (p.Thr586Valfs*18). This variant was reported in individuals with Neurofibromatosis 1 (see for example - Park et al. 1998. PubMed ID: 9783703; Anastasaki et al. 2015. PubMed ID: 25788518; Corsello et al. 2018. PubMed ID: 29618358). This variant is reported in 0.00088% of alleles in individuals of European (Non-Finnish) descent in gnomAD and is interpreted as pathogenic in ClinVar. Frameshift variants in NF1 are expected to be pathogenic. This variant is interpreted as pathogenic.

Institute of Human Genetics, University of Leipzig Medical Center
Classification: Pathogenic for Neurofibromatosis, type 1. Last evaluated: 2025-07-24. Review status: criteria provided, single submitter. Criteria: ACMG Guidelines, 2015. Collection method: clinical testing. Allele origin: maternal. Inheritance: Autosomal dominant inheritance. Affected: yes.
Comment: Criteria applied: PVS1,PS3,PS4_MOD,PM2_SUP

St. Jude Molecular Pathology, St. Jude Children's Research Hospital
Classification: Pathogenic for Neurofibromatosis, type 1. Last evaluated: 2025-06-17. Review status: criteria provided, single submitter. Criteria: St. Jude Assertion Criteria 2020. Collection method: clinical testing. Allele origin: germline.
Comment: The NF1 c.1756_1759del p.(Thr586ValfsTer18) change deletes four nucleotides to cause a frameshift and the creation of a premature stop codon. This change is predicted to cause protein truncation or absence of protein due to nonsense-mediated decay. This variant has been reported in individuals with Neurofibromatosis type 1 (PMID: 9783703, 17103458, 31766501, 31776437, internal data). In summary, this variant meets criteria to be classified as pathogenic.

Mayo Clinic Laboratories, Mayo Clinic
Classification: Pathogenic. Last evaluated: 2025-05-05. Review status: criteria provided, single submitter. Criteria: ACMG Guidelines, 2015. Collection method: clinical testing. Allele origin: germline. Observed: 1 variant allele.
Comment: PP4, PM2_supporting, PVS1

Institute for Genomic Medicine (IGM) Clinical Laboratory, Nationwide Children's Hospital
Classification: Pathogenic for Neurofibromatosis, type 1. Last evaluated: 2025-04-30. Review status: criteria provided, single submitter. Criteria: ACMG Guidelines, 2015. Collection method: clinical testing. Allele origin: germline.
Comment: This variant is predicted to result in loss of function through nonsense-mediated decay of the encoded transcript or premature truncation of the encoded protein in a gene in which loss of function is a known mechanism of disease (ACMG/AMP: PVS1). This variant has been reported at an elevated frequency in affected individuals/in multiple affected individuals in the literature (ACMG/AMP: PS4; PMIDs:9783703, 16835897, 17311297, 18546366, 25788518). This variant is absent from or present at an exceedingly low frequency in gnomAD, a large-scale control population database (ACMG/AMP: PM2).